The following is an entry in ClinVar:

NM_020117.11(LARS1):c.3066G>C (p.Glu1022Asp)

Gene: LARS1 (leucyl-tRNA synthetase 1; minus strand). Cytogenetic location: 5q32.
Variant type: single nucleotide variant.
Coding change: c.3066G>C on transcript NM_020117.11 (MANE Select); coding-DNA position 3066, G replaced by C.
Protein change: p.Glu1022Asp; replaces glutamic acid 1022 with aspartic acid.
Molecular consequence: missense variant.
Genome position (GRCh38, 1-based): chr5:146,124,012, C>G on the plus strand (G>C on the coding strand, the complement: LARS1 is on the minus strand). VCF-style: chr5-146124012-C-G. GRCh37 (hg19) VCF-style: chr5-145503575-C-G.
Other names: c.2928G>C, p.Glu976Asp (NM_001317964.2); c.2904G>C, p.Glu968Asp (NM_001317965.2); c.2985G>C, p.Glu995Asp (NM_016460.4); short protein forms E1022D, E968D, E976D, E995D.
Identifiers: ClinVar variation 2196417 (VCV002196417.4), dbSNP rs772815315, ClinGen allele CA3489139.

ClinVar aggregate classification (germline): Uncertain significance (1 of 4 stars; one submission).

Allele frequency attached by ClinVar (database versions not stated): ExAC 0.00002; gnomAD 0.00002; gnomAD exomes 0.00002; TOPMed 0.00002.
gnomAD v4.1: 39 of 1,609,128 alleles (0.0024%); highest among the groups gnomAD compares: Admixed American, 0.005%; no homozygotes.

Submission:

Labcorp Genetics (formerly Invitae), Labcorp
Classification: Uncertain significance. Last evaluated: 2022-06-01. Review status: criteria provided, single submitter. Criteria: Invitae Variant Classification Sherloc (09022015). Collection method: clinical testing. Allele origin: germline.
Comment: This variant has not been reported in the literature in individuals affected with LARS-related conditions. In summary, the available evidence is currently insufficient to determine the role of this variant in disease. Therefore, it has been classified as a Variant of Uncertain Significance. Algorithms developed to predict the effect of missense changes on protein structure and function are either unavailable or do not agree on the potential impact of this missense change (SIFT: "Not Available"; PolyPhen-2: "Benign"; Align-GVGD: "Not Available"). This variant is present in population databases (rs772815315, gnomAD 0.006%). This sequence change replaces glutamic acid, which is acidic and polar, with aspartic acid, which is acidic and polar, at codon 1022 of the LARS protein (p.Glu1022Asp).